The following is an entry in ClinVar:

ClinVar aggregate classification (germline): Pathogenic/Likely pathogenic. Review status: criteria provided, multiple submitters, no conflicts (2 of 4 stars). 4 submissions from 4 submitters: Pathogenic (1); Likely pathogenic (3). Last evaluated 2025-10-27.

Conditions:
Mucopolysaccharidosis, MPS-II (MPS2). Also called: Attenuated MPS (subtype; formerly known as mild MPS II); Severe MPS II; I2S deficiency; MPS 2; Hunter Syndrome; IDURONATE 2-SULFATASE DEFICIENCY. Identifiers: Orphanet 580, Orphanet 79388, MedGen C0026705, MONDO:0010674, OMIM 309900.

Submissions (4):

Medical Genetic Diagnosis and Therapy Center, Fujian Medical University
Classification: Likely pathogenic for Mucopolysaccharidosis, MPS-II. Last evaluated: 2025-10-27. Review status: criteria provided, single submitter. Criteria: ACMG Guidelines, 2015. Collection method: clinical testing. Allele origin: germline. Affected: yes.
Comment: LP: PM1+PM2+PM5+PS4_M+PP3+PP4. This variant has been reported in the following publication(s): [1] Agrawal N, Verma G, Saxena D, et al. Genotype-phenotype spectrum of 130 unrelated Indian families with Mucopolysaccharidosis type II[J]. European Journal of Medical Genetics, 2022, 65(3): 104447. [2] Zhong L, Gao X, Wang Y, et al. Clinical characteristics and genotypes of 201 patients with Mucopolysaccharidosis type II in China: A retrospective, observational study[J]. Clinical Genetics, 2023, 103(6): 655-662.

Labcorp Genetics (formerly Invitae), Labcorp
Classification: Pathogenic for Mucopolysaccharidosis, MPS-II. Last evaluated: 2025-03-05. Review status: criteria provided, single submitter. Criteria: Invitae Variant Classification Sherloc (09022015). Collection method: clinical testing. Allele origin: germline.
Comment: This sequence change replaces aspartic acid, which is acidic and polar, with glycine, which is neutral and non-polar, at codon 308 of the IDS protein (p.Asp308Gly). This variant is not present in population databases (gnomAD no frequency). This missense change has been observed in individual(s) with mucopolysaccharidosis type II (PMID: 35144014, 36945845; internal data). ClinVar contains an entry for this variant (Variation ID: 997010). Invitae Evidence Modeling of protein sequence and biophysical properties (such as structural, functional, and spatial information, amino acid conservation, physicochemical variation, residue mobility, and thermodynamic stability) indicates that this missense variant is expected to disrupt IDS protein function with a positive predictive value of 80%. This variant disrupts the p.Asp308 amino acid residue in IDS. Other variant(s) that disrupt this residue have been observed in individuals with IDS-related conditions (PMID: 9501270, 9762601, 24125893), which suggests that this may be a clinically significant amino acid residue. For these reasons, this variant has been classified as Pathogenic.

Laboratory of Diagnosis and Therapy of Lysosomal Disorders, University of Padova
Classification: Likely pathogenic for Mucopolysaccharidosis, MPS-II. Last evaluated: 2024-06-07. Review status: criteria provided, single submitter. Criteria: ACMG Guidelines, 2015. Collection method: literature only. Allele origin: germline. Affected: yes. Observed: 2 variant alleles.
Comment: Absent from controls (or at low frequency) in gnomAD database (PM2_Moderate), Missense change at the same amino acid residue as a pathogenic variant (PM5_Moderate), Missense variant in a gene with a low rate of benign missense variation (PP2_Supporting), Multiple lines of computational evidence support a deleterious effect (PP3_Supporting), Patient’s phenotype or family history highly specific for the disease (PP4_Moderate)

Classification method: ACMG Guidelines [PMID:25741868] with modifications

Department of Medical Genetics, Sanjay Gandhi Post Graduate Institute of Medical Sciences
Classification: Likely pathogenic for Mucopolysaccharidosis, MPS-II. Review status: criteria provided, single submitter. Criteria: ACMG Guidelines, 2015. Collection method: clinical testing. Allele origin: maternal. Inheritance: X-linked recessive inheritance. Affected: yes. Observed: 1 variant allele, 1 hemizygote.

Literature cited by the submitters: PubMed 35144014 (cited by 3 submitters); 36945845 (cited by Medical Genetic Diagnosis and Therapy Center, Fujian Medical University); PubMed 36945845 (cited by Labcorp Genetics (formerly Invitae), Labcorp and Laboratory of Diagnosis and Therapy of Lysosomal Disorders, University of Padova); PubMed 9501270 (cited by Labcorp Genetics (formerly Invitae), Labcorp); PubMed 9762601 (cited by Labcorp Genetics (formerly Invitae), Labcorp); PubMed 24125893 (cited by Labcorp Genetics (formerly Invitae), Labcorp).

NM_000202.8(IDS):c.923A>G (p.Asp308Gly)

Genes: IDS (iduronate 2-sulfatase; minus strand), LOC106050102 (IDS recombination region; plus strand). Cytogenetic location: Xq28.
Variant type: single nucleotide variant.
Coding change: c.923A>G on transcript NM_000202.8 (MANE Select); coding-DNA position 923, A replaced by G.
Protein change: p.Asp308Gly; replaces aspartic acid 308 with glycine.
Molecular consequence: missense variant. On other transcripts: non-coding transcript variant (1).
Genome position (GRCh38, 1-based): chrX:149,490,397, T>C on the plus strand (A>G on the coding strand, the complement: IDS is on the minus strand). VCF-style: chrX-149490397-T-C. GRCh37 (hg19) VCF-style: chrX-148571928-T-C.
Other names: c.653A>G, p.Asp218Gly (NM_001166550.4); c.923A>G, p.Asp308Gly (NM_006123.5); short protein forms D218G, D308G.
Identifiers: ClinVar variation 997010 (VCV000997010.4), dbSNP rs2124020552, ClinGen allele CA414520293.
Genomic context (GRCh38, chrX:149,490,397, plus strand): 5'-ATGGTGCTGTTGGCCAGCTGAAGATCGTCCAAAGCACTCAAGAGGCGGCCGACCTGTGTA[T>C]CCAAATATGACACAGAGGCAAAGTAGCTCTGGCGGATTTTCCGCTGCAAATTGAAAAAAA-3'
Protein context (NP_000193.1, residues 298-318): QSYFASVSYL[Asp308Gly]TQVGRLLSAL